The following is an entry in ClinVar:

NM_170707.4(LMNA):c.621GAA[1] (p.Lys208del)

Gene: LMNA (lamin A/C; plus strand). Cytogenetic location: 1q22.
Variant type: Microsatellite.
Coding change: c.621GAA[1] on transcript NM_170707.4 (MANE Select); one copy of the 3-base unit GAA starting at c.621; the reference has two copies in a row; one copy, 3 bases deleted.
Protein change: p.Lys208del; deletes lysine 208.
Molecular consequence: inframe deletion.
Genome position (GRCh38, 1-based): chr1:156,134,513-156,134,515, GAA deleted; deleting any 3 consecutive bases within chr1:156,134,509-156,134,515 gives the same sequence; the position shown is the placement nearest the transcript's 3' end. VCF-style (leftmost placement, unchanged base first): chr1-156134508-CAGA-C. GRCh37 (hg19) VCF-style: chr1-156104299-CAGA-C.
Other names: c.285GAA[1], p.Lys96del (NM_001257374.3); c.378GAA[1], p.Lys127del (NM_001282624.2); c.621GAA[1], p.Lys208del (NM_001282625.2, NM_001282626.2, NM_005572.4 and 1 more transcripts); short protein forms K208del, K96del, K127del.
Identifiers: ClinVar variation 66918 (VCV000066918.8), dbSNP rs267607540, ClinGen allele CA018324.

ClinVar aggregate classification (germline): Pathogenic/Likely pathogenic. Review status: no assertion criteria provided (0 of 4 stars). 5 submissions from 4 submitters: Pathogenic (2); Likely pathogenic (1). 2 of the submissions do not count toward it. Last evaluated 2000-05-22.

Conditions:
Emery-Dreifuss muscular dystrophy 2, autosomal dominant (EDMD2). Also called: Benign scapuloperoneal muscular dystrophy with cardiomyopathy; LMNA-Related Emery-Dreifuss Muscular Dystrophy, Autosomal; HAUPTMANN-THANNHAUSER MUSCULAR DYSTROPHY; MUSCULAR DYSTROPHY WITH EARLY CONTRACTURES AND CARDIOMYOPATHY, AUTOSOMAL DOMINANT; SCAPULOILIOPERONEAL ATROPHY WITH CARDIOPATHY; Limb-girdle muscular dystrophy, type 1B. Identifiers: Orphanet 261, Orphanet 264, MedGen C0410190, MONDO:0021569, OMIM 181350.

Submissions (5):

OMIM
Classification: Pathogenic for EMERY-DREIFUSS MUSCULAR DYSTROPHY 2, AUTOSOMAL DOMINANT. Last evaluated: 2000-05-22. Review status: no assertion criteria provided. Collection method: literature only. Allele origin: germline.

Diagnostic Laboratory, Department of Genetics, University Medical Center Groningen
Classification: Pathogenic. Review status: no assertion criteria provided. Collection method: clinical testing. Allele origin: germline. Affected: yes. Study: VKGL Data-share Consensus.

Epithelial Biology;  Institute of Medical Biology, Singapore
No classification provided. Review status: no classification provided. Collection method: not provided. Allele origin: not provided. Not counted in ClinVar's aggregate classification.

Joint Genome Diagnostic Labs from Nijmegen and Maastricht, Radboudumc and MUMC+
Classification: Likely pathogenic. Review status: no assertion criteria provided. Collection method: clinical testing. Allele origin: germline. Affected: yes. Study: VKGL Data-share Consensus.

Epithelial Biology;  Institute of Medical Biology, Singapore
No classification provided. Review status: flagged submission. Collection method: not provided. Allele origin: not provided. Not counted in ClinVar's aggregate classification.
ClinVar note: Reason: This record appears to be redundant with a more recent record from the same submitter.
ClinVar note: Notes: SCV000088546 appears to be redundant with SCV000088547.

Literature cited by the submitters: PubMed 30055862 (cited by OMIM); PubMed 10814726 (cited by OMIM); PubMed 8619549 (cited by OMIM); PubMed 9106535 (cited by OMIM).